The following is an entry in ClinVar:

NM_000059.4(BRCA2):c.1888del (p.Thr630fs)

Gene: BRCA2 (BRCA2 DNA repair associated; plus strand). Cytogenetic location: 13q13.1.
Variant type: Deletion.
Coding change: c.1888del on transcript NM_000059.4 (MANE Select); coding-DNA position 1888, one base deleted (A; older notation c.1888delA).
Protein change: p.Thr630fs; shifts the reading frame from threonine 630.
Molecular consequence: frameshift variant.
Genome position (GRCh38, 1-based): chr13:32,333,366, A deleted. VCF-style (leftmost placement, unchanged base first): chr13-32333365-TA-T. GRCh37 (hg19) VCF-style: chr13-32907502-TA-T.
Other names: 2116delA; short protein forms T630fs.
Identifiers: ClinVar variation 266666 (VCV000266666.5), dbSNP rs886040394, ClinGen allele CA10589125.
Genomic context (GRCh38, chr13:32,333,365, plus strand): 5'-AAAATCAGAACTAATTAACTGTTCAGCCCAGTTTGAAGCAAATGCTTTTGAAGCACCACT[TA>T]CATTTGCAAATGCTGATTCAGGTACCTCTGTCTTTTTTTTTTTGTAAATAGTACATATAG-3'

ClinVar aggregate classification (germline): Pathogenic. Review status: reviewed by expert panel (3 of 4 stars). 2 submissions from 2 submitters: Pathogenic (1). 1 of the submissions does not count toward it. Last evaluated 2016-10-18.

Conditions:
Breast-ovarian cancer, familial, susceptibility to, 2 (BROVCA2). Also called: BRCA2 Hereditary Breast and Ovarian Cancer. Identifiers: Orphanet 145, MedGen C2675520, MONDO:0012933, OMIM 612555. Disease mechanism: loss of function.

Submissions (2):

Evidence-based Network for the Interpretation of Germline Mutant Alleles (ENIGMA)
Classification: Pathogenic for Breast-ovarian cancer, familial, susceptibility to, 2. Last evaluated: 2016-10-18. Review status: reviewed by expert panel. Criteria: ENIGMA BRCA1/2 Classification Criteria (2015). Collection method: curation. Allele origin: germline.
Comment: Variant allele predicted to encode a truncated non-functional protein.

Consortium of Investigators of Modifiers of BRCA1/2 (CIMBA), c/o University of Cambridge
Classification: Pathogenic for Breast-ovarian cancer, familial, susceptibility to, 2. Last evaluated: 2015-10-02. Review status: criteria provided, single submitter. Criteria: CIMBA Mutation Classification guidelines May 2016. Collection method: clinical testing. Allele origin: germline. Not counted in ClinVar's aggregate classification.